The following is an entry in ClinVar:

ClinVar aggregate classification (germline): Uncertain significance (1 of 4 stars; one submission).

Conditions:
Ehlers-Danlos syndrome, classic type, 1 (EDSCL1). Also called: EHLERS-DANLOS SYNDROME, GRAVIS TYPE; EHLERS-DANLOS SYNDROME, SEVERE CLASSIC TYPE; Ehlers-Danlos syndrome, type 1; Ehlers-Danlos Syndrome, Classic Type, COL5A1-Related; EDS I. Identifiers: MedGen C0268335, MONDO:0019567, OMIM 130000.

Submission:

Labcorp Genetics (formerly Invitae), Labcorp
Classification: Uncertain significance for Ehlers-Danlos syndrome, classic type, 1. Last evaluated: 2025-07-02. Review status: criteria provided, single submitter. Criteria: Invitae Variant Classification Sherloc (09022015). Collection method: clinical testing. Allele origin: germline.
Comment: This sequence change replaces glycine, which is neutral and non-polar, with glutamic acid, which is acidic and polar, at codon 679 of the COL5A1 protein (p.Gly679Glu). This variant is not present in population databases (gnomAD no frequency). This missense change has been observed in individual(s) with clinical features of Ehlers-Danlos syndrome (internal data). An algorithm developed to predict the effect of missense changes on protein structure and function (PolyPhen-2) suggests that this variant is likely to be disruptive. This variant disrupts the triple helix domain of COL5A1. Glycine residues within the Gly-Xaa-Yaa repeats of the triple helix domain are required for the structure and stability of fibrillar collagens (PMID: 7695699, 8218237, 19344236), and variants at these glycine residues in COL5A1 are more frequently observed in individuals with disease than in the general population (PMID: 22696272, 23587214). However, the clinical significance of this observation remains uncertain since only a limited number of affected individuals have been described to date. In summary, the available evidence is currently insufficient to determine the role of this variant in disease. Therefore, it has been classified as a Variant of Uncertain Significance.

Literature cited by the submitters: PubMed 7695699; PubMed 8218237; PubMed 19344236; PubMed 22696272; PubMed 23587214.

NM_000093.5(COL5A1):c.2036G>A (p.Gly679Glu)

Gene: COL5A1 (collagen type V alpha 1 chain; plus strand). Cytogenetic location: 9q34.3.
Variant type: single nucleotide variant.
Coding change: c.2036G>A on transcript NM_000093.5 (MANE Select); coding-DNA position 2036, G replaced by A.
Protein change: p.Gly679Glu; replaces glycine 679 with glutamic acid.
Molecular consequence: missense variant.
Genome position (GRCh38, 1-based): chr9:134,765,682, G>A. VCF-style: chr9-134765682-G-A. GRCh37 (hg19) VCF-style: chr9-137657528-G-A.
Other names: c.2036G>A, p.Gly679Glu (NM_001278074.1); short protein forms G679E.
Identifiers: ClinVar variation 4722491 (VCV004722491.1).